The following is an entry in ClinVar:

NM_003721.4(RFXANK):c.49C>G (p.Pro17Ala)

Gene: RFXANK (regulatory factor X associated ankyrin containing protein; plus strand). Cytogenetic location: 19p13.11.
Variant type: single nucleotide variant.
Coding change: c.49C>G on transcript NM_003721.4 (MANE Select); coding-DNA position 49, C replaced by G.
Protein change: p.Pro17Ala; replaces proline 17 with alanine.
Molecular consequence: missense variant.
Genome position (GRCh38, 1-based): chr19:19,193,995, C>G. VCF-style: chr19-19193995-C-G. GRCh37 (hg19) VCF-style: chr19-19304804-C-G.
Other names: c.49C>G, p.Pro17Ala (NM_001278727.2, NM_001278728.2, NM_001370233.1 and 6 more transcripts); short protein forms P17A.
Identifiers: ClinVar variation 653317 (VCV000653317.6), dbSNP rs1156936548, ClinGen allele CA404889502.

ClinVar aggregate classification (germline): Uncertain significance (1 of 4 stars; one submission).

Conditions:
MHC class II deficiency. Also called: Bare lymphocyte syndrome 2; BLS, TYPE II. Identifiers: Orphanet 572, MedGen C5447452, MONDO:0008855.

Allele frequency attached by ClinVar (database versions not stated): gnomAD 0.00001; gnomAD exomes 0.00001; TOPMed 0.00002.

Submission:

Labcorp Genetics (formerly Invitae), Labcorp
Classification: Uncertain significance for MHC class II deficiency. Last evaluated: 2022-04-22. Review status: criteria provided, single submitter. Criteria: Invitae Variant Classification Sherloc (09022015). Collection method: clinical testing. Allele origin: germline.
Comment: This sequence change replaces proline, which is neutral and non-polar, with alanine, which is neutral and non-polar, at codon 17 of the RFXANK protein (p.Pro17Ala). This variant is not present in population databases (gnomAD no frequency). This variant has not been reported in the literature in individuals affected with RFXANK-related conditions. ClinVar contains an entry for this variant (Variation ID: 653317). Algorithms developed to predict the effect of missense changes on protein structure and function (SIFT, PolyPhen-2, Align-GVGD) all suggest that this variant is likely to be tolerated. In summary, the available evidence is currently insufficient to determine the role of this variant in disease. Therefore, it has been classified as a Variant of Uncertain Significance.